The following is an entry in ClinVar:

NM_000632.4(ITGAM):c.451A>T (p.Ile151Phe)

Gene: ITGAM (integrin subunit alpha M; plus strand). Cytogenetic location: 16p11.2.
Variant type: single nucleotide variant.
Coding change: c.451A>T on transcript NM_000632.4 (MANE Select); coding-DNA position 451, A replaced by T.
Protein change: p.Ile151Phe; replaces isoleucine 151 with phenylalanine.
Molecular consequence: missense variant.
Genome position (GRCh38, 1-based): chr16:31,270,977, A>T. VCF-style: chr16-31270977-A-T. GRCh37 (hg19) VCF-style: chr16-31282298-A-T.
Other names: c.451A>T, p.Ile151Phe (NM_001145808.2); short protein forms I151F.
Identifiers: ClinVar variation 1423232 (VCV001423232.6), dbSNP rs2144282522, ClinGen allele CA395688818.

ClinVar aggregate classification (germline): Uncertain significance (1 of 4 stars; one submission).

gnomAD v4.1: 1 of 1,579,756 alleles (0.000063%); highest among the groups gnomAD compares: African/African-American, 0.0013%; no homozygotes.

Submission:

Labcorp Genetics (formerly Invitae), Labcorp
Classification: Uncertain significance. Last evaluated: 2022-08-09. Review status: criteria provided, single submitter. Criteria: Invitae Variant Classification Sherloc (09022015). Collection method: clinical testing. Allele origin: germline.
Comment: ClinVar contains an entry for this variant (Variation ID: 1423232). This variant has not been reported in the literature in individuals affected with ITGAM-related conditions. This variant is not present in population databases (gnomAD no frequency). This sequence change replaces isoleucine, which is neutral and non-polar, with phenylalanine, which is neutral and non-polar, at codon 151 of the ITGAM protein (p.Ile151Phe). Algorithms developed to predict the effect of missense changes on protein structure and function are either unavailable or do not agree on the potential impact of this missense change (SIFT: "Deleterious"; PolyPhen-2: "Probably Damaging"; Align-GVGD: "Class C15"). In summary, the available evidence is currently insufficient to determine the role of this variant in disease. Therefore, it has been classified as a Variant of Uncertain Significance.